The following is an entry in ClinVar:

ClinVar aggregate classification (germline): Pathogenic/Likely pathogenic. Review status: criteria provided, multiple submitters, no conflicts (2 of 4 stars). 6 submissions from 6 submitters: Pathogenic (4); Likely pathogenic (2). Last evaluated 2024-06-13.

Conditions:
Symmetrical dyschromatosis of extremities (DSH). Also called: Dyschromatosis symmetrica hereditaria; RETICULATE ACROPIGMENTATION OF DOHI; SYMMETRIC DYSCHROMATOSIS OF THE EXTREMITIES; DYSCHROMATOSIS SYMMETRICA HEREDITARIA 1. Identifiers: Orphanet 41, MedGen C0406775, MONDO:0007483, OMIM 127400.
Aicardi-Goutieres syndrome 6 (AGS6). Identifiers: Orphanet 51, MedGen C3539013, MONDO:0014007, OMIM 615010.
Inborn genetic diseases. Identifiers: MedGen C0950123, MeSH D030342.

Allele frequency attached by ClinVar (database versions not stated): gnomAD exomes below 0.00001; ExAC 0.00001.
gnomAD v4.1: 4 of 1,613,788 alleles (0.00025%); highest among the groups gnomAD compares: Admixed American, 0.0017%; no homozygotes.

Submissions (6):

GeneDx
Classification: Pathogenic. Last evaluated: 2024-06-13. Review status: criteria provided, single submitter. Criteria: GeneDx Variant Classification Process June 2021. Collection method: clinical testing. Allele origin: germline.
Comment: Identified in multiple patients with ADAR-related dyschromatosis symmetrica hereditaria in published literature (PMID: 15146470, 17225010, 20186421, 20430589, 29915444, 29185800); Nonsense variant predicted to result in protein truncation or nonsense mediated decay in a gene for which loss of function is a known mechanism of disease; Not observed at significant frequency in large population cohorts (gnomAD); This variant is associated with the following publications: (PMID: 25525159, 16086746, 32593192, 18243666, 22974014, 23315877, 15724015, 29185800, 15146470, 20186421, 17225010, 20430589, 29915444)

Labcorp Genetics (formerly Invitae), Labcorp
Classification: Pathogenic for Aicardi-Goutieres syndrome 6; Symmetrical dyschromatosis of extremities. Last evaluated: 2023-11-18. Review status: criteria provided, single submitter. Criteria: Invitae Variant Classification Sherloc (09022015). Collection method: clinical testing. Allele origin: germline.
Comment: This sequence change creates a premature translational stop signal (p.Arg1096*) in the ADAR gene. It is expected to result in an absent or disrupted protein product. Loss-of-function variants in ADAR are known to be pathogenic (PMID: 22974014). The frequency data for this variant in the population databases is considered unreliable, as metrics indicate poor data quality at this position in the gnomAD database. This premature translational stop signal has been observed in individual(s) with autosomal dominant dyschromatosis symmetrica hereditaria (PMID: 15146470, 29915444). It has also been observed to segregate with disease in related individuals. ClinVar contains an entry for this variant (Variation ID: 985814). Algorithms developed to predict the effect of sequence changes on RNA splicing suggest that this variant may disrupt the consensus splice site. For these reasons, this variant has been classified as Pathogenic.

Genome-Nilou Lab
Classification: Likely pathogenic for Aicardi-Goutieres syndrome 6. Last evaluated: 2023-04-11. Review status: criteria provided, single submitter. Criteria: ACMG Guidelines, 2015. Collection method: clinical testing. Allele origin: germline. Affected: no.

Institute of Medical Genetics and Applied Genomics, University Hospital Tübingen
Classification: Likely pathogenic. Last evaluated: 2020-10-23. Review status: criteria provided, single submitter. Criteria: ACMG Guidelines, 2015. Collection method: clinical testing. Allele origin: germline. Inheritance: Unknown mechanism. Affected: yes.

Ambry Genetics
Classification: Pathogenic for Inborn genetic diseases. Last evaluated: 2020-03-04. Review status: criteria provided, single submitter. Criteria: Ambry Variant Classification Scheme 2023. Collection method: clinical testing. Allele origin: germline.
Comment: The alteration results in a premature stop codon: _x000D_ _x000D_ The c.3286C>T (p.R1096*) alteration, located in coding exon 13 of the ADAR gene, results from a C to T substitution at nucleotide position 3286. This changes the amino acid from an arginine (R) to a stop codon at amino acid position 1096. This alteration is expected to result in loss of function by premature protein truncation or nonsense-mediated mRNA decay. The alteration has been observed in individuals with autosomal dominant dyschromatosis symmetrica hereditaria: _x000D_ _x000D_ This alteration has been reported in multiple patients with autosomal dominant dyschromatosis symmetrica hereditaria (Zhang, 2004; Kobayashi, 2018; Tang, 2018). Based on the available evidence, this alteration is classified as pathogenic.

Baylor Genetics
Classification: Pathogenic for Aicardi-Goutieres syndrome 6. Last evaluated: 2020-02-24. Review status: criteria provided, single submitter. Criteria: ACMG Guidelines, 2015. Collection method: clinical testing. Allele origin: unknown. Affected: yes.
Comment: This variant was determined to be pathogenic according to ACMG Guidelines, 2015 [PMID:25741868].

Literature cited by the submitters: PubMed 22974014 (cited by Labcorp Genetics (formerly Invitae), Labcorp); PubMed 15146470 (cited by Labcorp Genetics (formerly Invitae), Labcorp and Ambry Genetics); PubMed 29915444 (cited by Labcorp Genetics (formerly Invitae), Labcorp and Ambry Genetics); PubMed 29185800 (cited by Ambry Genetics).

NM_001111.5(ADAR):c.3286C>T (p.Arg1096Ter)

Gene: ADAR (adenosine deaminase RNA specific; minus strand). Cytogenetic location: 1q21.3.
Variant type: single nucleotide variant.
Coding change: c.3286C>T on transcript NM_001111.5 (MANE Select); coding-DNA position 3286, C replaced by T.
Protein change: p.Arg1096Ter; replaces arginine 1096 with a stop codon.
Molecular consequence: nonsense.
Genome position (GRCh38, 1-based): chr1:154,585,782, G>A on the plus strand (C>T on the coding strand, the complement: ADAR is on the minus strand). VCF-style: chr1-154585782-G-A. GRCh37 (hg19) VCF-style: chr1-154558258-G-A.
Other names: c.2401C>T, p.Arg801Ter (NM_001025107.3, NM_001193495.2, NM_001365046.1 and 2 more transcripts); c.3313C>T, p.Arg1105Ter (NM_001365045.1); c.2323C>T, p.Arg775Ter (NM_001365049.1); c.3208C>T, p.Arg1070Ter (NM_015840.4); c.3151C>T, p.Arg1051Ter (NM_015841.4); short protein forms R1051*, R1070*, R1096*, R1105*, R775*, R801*.
Identifiers: ClinVar variation 985814 (VCV000985814.13), dbSNP rs769148365, ClinGen allele CA1131002.